The following is an entry in ClinVar:

ClinVar aggregate classification (germline): Uncertain significance (1 of 4 stars; one submission).

gnomAD v4.1: 21 of 1,614,048 alleles (0.0013%); highest among the groups gnomAD compares: Non-Finnish European, 0.0018%; no homozygotes.

Submission:

Labcorp Genetics (formerly Invitae), Labcorp
Classification: Uncertain significance. Last evaluated: 2025-12-06. Review status: criteria provided, single submitter. Criteria: Invitae Variant Classification Sherloc (09022015). Collection method: clinical testing. Allele origin: germline.
Comment: This sequence change replaces arginine, which is basic and polar, with proline, which is neutral and non-polar, at codon 760 of the PCDH12 protein (p.Arg760Pro). This variant is present in population databases (rs139572685, gnomAD 0.0009%). This variant has not been reported in the literature in individuals affected with PCDH12-related conditions. ClinVar contains an entry for this variant (Variation ID: 1519382). Invitae Evidence Modeling of protein sequence and biophysical properties (such as structural, functional, and spatial information, amino acid conservation, physicochemical variation, residue mobility, and thermodynamic stability) indicates that this missense variant is not expected to disrupt PCDH12 protein function with a negative predictive value of 95%. In summary, the available evidence is currently insufficient to determine the role of this variant in disease. Therefore, it has been classified as a Variant of Uncertain Significance.

NM_016580.4(PCDH12):c.2279G>C (p.Arg760Pro)

Genes: PCDH12 (protocadherin 12; minus strand), RNF14 (ring finger protein 14; plus strand). Cytogenetic location: 5q31.3.
Variant type: single nucleotide variant.
Coding change: c.2279G>C on transcript NM_016580.4 (MANE Select); coding-DNA position 2279, G replaced by C.
Protein change: p.Arg760Pro; replaces arginine 760 with proline.
Molecular consequence: missense variant.
Genome position (GRCh38, 1-based): chr5:141,955,573, C>G on the plus strand (G>C on the coding strand, the complement: PCDH12 is on the minus strand). VCF-style: chr5-141955573-C-G. GRCh37 (hg19) VCF-style: chr5-141335138-C-G.
Other names: short protein forms R760P.
Identifiers: ClinVar variation 1519382 (VCV001519382.6), dbSNP rs139572685, ClinGen allele CA3484238.